The following is an entry in ClinVar:

ClinVar aggregate classification (germline): Likely benign (1 of 4 stars; one submission).

Allele frequency attached by ClinVar (database versions not stated): gnomAD 0.00498 and 0.00548; 1000 Genomes Project 0.00539; TOPMed 0.00558.
gnomAD v4.1: 749 of 152,308 alleles (0.49%); highest among the groups gnomAD compares: African/African-American, 1.7%; 5 homozygotes.

Submission:

GeneDx
Classification: Likely benign. Last evaluated: 2018-06-16. Review status: criteria provided, single submitter. Criteria: GeneDx Variant Classification (06012015). Collection method: clinical testing. Allele origin: germline. Affected: yes.
Comment: This variant is considered likely benign or benign based on one or more of the following criteria: it is a conservative change, it occurs at a poorly conserved position in the protein, it is predicted to be benign by multiple in silico algorithms, and/or has population frequency not consistent with disease.

NM_000138.5(FBN1):c.7699+297T>G

Gene: FBN1 (fibrillin 1; minus strand). Cytogenetic location: 15q21.1.
Variant type: single nucleotide variant.
Coding change: c.7699+297T>G on transcript NM_000138.5 (MANE Select); 297 bases into the intron after coding-DNA position 7699, T replaced by G.
Molecular consequence: intron variant.
Genome position (GRCh38, 1-based): chr15:48,421,261, A>C on the plus strand (T>G on the coding strand, the complement: FBN1 is on the minus strand). VCF-style: chr15-48421261-A-C. GRCh37 (hg19) VCF-style: chr15-48713458-A-C.
Identifiers: ClinVar variation 680954 (VCV000680954.1), dbSNP rs140300904, ClinGen allele CA269519636.
Genomic context (GRCh38, chr15:48,421,261, plus strand): 5'-TATGTTTAGTCCACATGGGGGAAATCCCTTTATGGCTCTGGACCCAGTGACCAGAAAATT[A>C]ATGAATCAAAATCAAGTATATTTTTCTTGACTGAGTTATTCCCTATTAGGTTAAATTAAA-3'